The following is an entry in ClinVar:

ClinVar aggregate classification (germline): Uncertain significance (1 of 4 stars; one submission).

Allele frequency attached by ClinVar (database versions not stated): TOPMed below 0.00001; gnomAD 0.00001.
gnomAD v4.1: 1 of 1,611,394 alleles (0.000062%); highest among the groups gnomAD compares: Non-Finnish European, 0.000085%; no homozygotes.

Submission:

Labcorp Genetics (formerly Invitae), Labcorp
Classification: Uncertain significance. Last evaluated: 2022-06-02. Review status: criteria provided, single submitter. Criteria: Invitae Variant Classification Sherloc (09022015). Collection method: clinical testing. Allele origin: germline.
Comment: This sequence change replaces glutamic acid, which is acidic and polar, with alanine, which is neutral and non-polar, at codon 2837 of the CDH23 protein (p.Glu2837Ala). This variant is not present in population databases (gnomAD no frequency). This variant has not been reported in the literature in individuals affected with CDH23-related conditions. Algorithms developed to predict the effect of missense changes on protein structure and function are either unavailable or do not agree on the potential impact of this missense change (SIFT: "Deleterious"; PolyPhen-2: "Not Available"; Align-GVGD: "Class C0"). In summary, the available evidence is currently insufficient to determine the role of this variant in disease. Therefore, it has been classified as a Variant of Uncertain Significance.

NM_022124.6(CDH23):c.8510A>C (p.Glu2837Ala)

Gene: CDH23 (cadherin related 23; plus strand). Cytogenetic location: 10q22.1.
Variant type: single nucleotide variant.
Coding change: c.8510A>C on transcript NM_022124.6 (MANE Select); coding-DNA position 8510, A replaced by C.
Protein change: p.Glu2837Ala; replaces glutamic acid 2837 with alanine.
Molecular consequence: missense variant.
Genome position (GRCh38, 1-based): chr10:71,807,717, A>C. VCF-style: chr10-71807717-A-C. GRCh37 (hg19) VCF-style: chr10-73567474-A-C.
Other names: c.1790A>C, p.Glu597Ala (NM_001171933.1, NM_001171934.1); short protein forms E2837A, E597A.
Identifiers: ClinVar variation 2170031 (VCV002170031.1), dbSNP rs1219073437, ClinGen allele CA377131695.